The following is an entry in ClinVar:

ClinVar aggregate classification (germline): Uncertain significance (1 of 4 stars; one submission).

Conditions:
Hypertrophic cardiomyopathy. Also called: HYPERTROPHIC MYOCARDIOPATHY. Identifiers: Orphanet 217569, MedGen C0007194, MeSH D002312, MONDO:0005045, HP:0001639.

Submission:

Labcorp Genetics (formerly Invitae), Labcorp
Classification: Uncertain significance for Hypertrophic cardiomyopathy. Last evaluated: 2020-12-25. Review status: criteria provided, single submitter. Criteria: Invitae Variant Classification Sherloc (09022015). Collection method: clinical testing. Allele origin: germline.
Comment: In summary, the available evidence is currently insufficient to determine the role of this variant in disease. Therefore, it has been classified as a Variant of Uncertain Significance. This variant is found within a region of MYH7 between codons 181 and 937 that contains the majority of the myosin head domain. Missense variants in this region have been shown to be significantly overrepresented in individuals with hypertrophic cardiomyopathy (PMID: 27532257). Algorithms developed to predict the effect of missense changes on protein structure and function (SIFT, PolyPhen-2, Align-GVGD) all suggest that this variant is likely to be disruptive, but these predictions have not been confirmed by published functional studies and their clinical significance is uncertain. This variant has not been reported in the literature in individuals with MYH7-related conditions. This variant is not present in population databases (ExAC no frequency). This sequence change replaces leucine with proline at codon 693 of the MYH7 protein (p.Leu693Pro). The leucine residue is highly conserved and there is a moderate physicochemical difference between leucine and proline.

Literature cited by the submitters: PubMed 27532257.

NM_000257.4(MYH7):c.2078T>C (p.Leu693Pro)

Gene: MYH7 (myosin heavy chain 7; minus strand). Cytogenetic location: 14q11.2.
Variant type: single nucleotide variant.
Coding change: c.2078T>C on transcript NM_000257.4 (MANE Select); coding-DNA position 2078, T replaced by C.
Protein change: p.Leu693Pro; replaces leucine 693 with proline.
Molecular consequence: missense variant.
Genome position (GRCh38, 1-based): chr14:23,426,048, A>G on the plus strand (T>C on the coding strand, the complement: MYH7 is on the minus strand). VCF-style: chr14-23426048-A-G. GRCh37 (hg19) VCF-style: chr14-23895257-A-G.
Other names: short protein forms L693P.
Identifiers: ClinVar variation 1497557 (VCV001497557.8), dbSNP rs2138668997, ClinGen allele CA389049169.